The following is an entry in ClinVar:

ClinVar aggregate classification (germline): Uncertain significance (1 of 4 stars; one submission).

Submission:

Labcorp Genetics (formerly Invitae), Labcorp
Classification: Uncertain significance. Last evaluated: 2025-12-10. Review status: criteria provided, single submitter. Criteria: Invitae Variant Classification Sherloc (09022015). Collection method: clinical testing. Allele origin: germline.
Comment: This sequence change replaces leucine, which is neutral and non-polar, with proline, which is neutral and non-polar, at codon 12 of the MAB21L2 protein (p.Leu12Pro). This variant is not present in population databases (gnomAD no frequency). This variant has not been reported in the literature in individuals affected with MAB21L2-related conditions. An algorithm developed to predict the effect of missense changes on protein structure and function (PolyPhen-2) suggests that this variant is likely to be disruptive. In summary, the available evidence is currently insufficient to determine the role of this variant in disease. Therefore, it has been classified as a Variant of Uncertain Significance.

NM_006439.5(MAB21L2):c.35T>C (p.Leu12Pro)

Genes: LRBA (LPS responsive beige-like anchor protein; minus strand), MAB21L2 (mab-21 like 2; plus strand). Cytogenetic location: 4q31.3.
Variant type: single nucleotide variant.
Coding change: c.35T>C on transcript NM_006439.5 (MANE Select); coding-DNA position 35, T replaced by C.
Protein change: p.Leu12Pro; replaces leucine 12 with proline.
Molecular consequence: missense variant. On other transcripts: intron variant (6).
Genome position (GRCh38, 1-based): chr4:150,583,064, T>C. VCF-style: chr4-150583064-T-C. GRCh37 (hg19) VCF-style: chr4-151504216-T-C.
Other names: c.6330+4984A>G (NM_001367550.1, NM_001199282.3, NM_001364905.1 and 1 more transcripts); c.6363+4984A>G (NM_006726.5, NM_001440430.1); short protein forms L12P.
Identifiers: ClinVar variation 4726604 (VCV004726604.1).